The following is an entry in ClinVar:

ClinVar aggregate classification (germline): Uncertain significance (1 of 4 stars; one submission).

Submission:

Labcorp Genetics (formerly Invitae), Labcorp
Classification: Uncertain significance. Last evaluated: 2022-03-03. Review status: criteria provided, single submitter. Criteria: Invitae Variant Classification Sherloc (09022015). Collection method: clinical testing. Allele origin: germline.
Comment: In summary, the available evidence is currently insufficient to determine the role of this variant in disease. Therefore, it has been classified as a Variant of Uncertain Significance. This variant, c.2318_2319insCAGCCGCAGCCG, results in the insertion of 4 amino acid(s) of the PDZD7 protein (p.Arg781_Ser784dup), but otherwise preserves the integrity of the reading frame. This variant is present in population databases (rs754898220, gnomAD 0.07%), including at least one homozygous and/or hemizygous individual. This variant has not been reported in the literature in individuals affected with PDZD7-related conditions. ClinVar contains an entry for this variant (Variation ID: 1036680). Experimental studies and prediction algorithms are not available or were not evaluated, and the functional significance of this variant is currently unknown.

NM_001195263.2(PDZD7):c.2318_2319insCAGCCGCAGCCG (p.773RS[8])

Gene: PDZD7 (PDZ domain containing 7; minus strand). Cytogenetic location: 10q24.31.
Variant type: Insertion.
Coding change: c.2318_2319insCAGCCGCAGCCG on transcript NM_001195263.2 (MANE Select); coding-DNA positions 2318 to 2319, CAGCCGCAGCCG inserted.
Protein change: p.773RS[8].
Molecular consequence: inframe insertion.
Genome position: GRCh38 VCF-style: chr10-101010570-A-ACGGCTGCGGCTG. GRCh37 (hg19) VCF-style: chr10-102770327-A-ACGGCTGCGGCTG.
Identifiers: ClinVar variation 1036680 (VCV001036680.8), dbSNP rs754898220, ClinGen allele CA5653985.